The following is an entry in ClinVar:

ClinVar aggregate classification (germline): Pathogenic. Review status: reviewed by expert panel (3 of 4 stars). 3 submissions from 3 submitters: Pathogenic (1). 2 of the submissions do not count toward it. Last evaluated 2017-12-15.

Conditions:
Hereditary cancer-predisposing syndrome. Also called: Neoplastic Syndromes, Hereditary; Hereditary neoplastic syndrome; Tumor predisposition; Hereditary Cancer Syndrome. Identifiers: Orphanet 140162, MedGen C0027672, MeSH D009386, MONDO:0015356.
Breast-ovarian cancer, familial, susceptibility to, 1 (BROVCA1). Also called: BRCA1 Hereditary Breast and Ovarian Cancer; OVARIAN CANCER, SUSCEPTIBILITY TO. Identifiers: Orphanet 145, MedGen C2676676, MONDO:0011450, OMIM 604370. Disease mechanism: loss of function.

Submissions (3):

Evidence-based Network for the Interpretation of Germline Mutant Alleles (ENIGMA)
Classification: Pathogenic for Breast-ovarian cancer, familial, susceptibility to, 1. Last evaluated: 2017-12-15. Review status: reviewed by expert panel. Criteria: ENIGMA BRCA1/2 Classification Criteria (2017-06-29). Collection method: curation. Allele origin: germline. Study: ENIGMA.
Comment: Variant allele predicted to encode a truncated non-functional protein.

Ambry Genetics
Classification: Pathogenic for Hereditary cancer-predisposing syndrome. Last evaluated: 2020-02-26. Review status: criteria provided, single submitter. Criteria: Ambry Variant Classification Scheme 2023. Collection method: clinical testing. Allele origin: germline. Not counted in ClinVar's aggregate classification.
Comment: The c.891_896delGAATGTinsTC pathogenic mutation, located in coding exon 9 of the BRCA1 gene, results from the deletion of 6 nucleotides and insertion of two nucleotides causing a translational frameshift with a predicted alternate stop codon (p.M297Ifs*16). This alteration is expected to result in loss of function by premature protein truncation or nonsense-mediated mRNA decay. As such, this alteration is interpreted as a disease-causing mutation.

GeneDx
Classification: Pathogenic. Last evaluated: 2015-07-28. Review status: criteria provided, single submitter. Criteria: GeneDx Variant Classification (06012015). Collection method: clinical testing. Allele origin: germline. Affected: yes. Not counted in ClinVar's aggregate classification.
Comment: This combined deletion and insertion is denoted BRCA1 c.891_896delGAATGTinsTC at the cDNA level and p.Met297IlefsX16 (M297IfsX16) at the protein level. Using alternate nomenclature, this variant would be defined as BRCA1 c.1010_1015delGAATGTinsTC.The normal sequence, with the bases that are deleted in braces and inserted in brackets, is GAAT[GAATGT][TC]AGAA. The variant causes a frameshift, which changes a Methionine to an Isoleucine at codon 297, and creates a premature stop codon at position 16 of the new reading frame. Although this variant has not, to our knowledge, been reported in the literature, it is predicted to cause loss of normal protein function through either protein truncation or nonsense-mediated mRNA decay. we consider this variant to be pathogenic.

NM_007294.4(BRCA1):c.891_896delinsTC (p.Met297fs)

Gene: BRCA1 (BRCA1 DNA repair associated; minus strand). Cytogenetic location: 17q21.31.
Variant type: Indel.
Coding change: c.891_896delinsTC on transcript NM_007294.4 (MANE Select); coding-DNA positions 891 to 896, GAATGT replaced by TC.
Protein change: p.Met297fs; shifts the reading frame from methionine 297.
Molecular consequence: frameshift variant. On other transcripts: initiator codon variant (2), intron variant (137).
Genome position (GRCh38, 1-based): chr17:43,094,635-43,094,640, ACATTC replaced by GA on the plus strand (GAATGT replaced by TC on the coding strand, the reverse complement: BRCA1 is on the minus strand). VCF-style: chr17-43094635-ACATTC-GA. GRCh37 (hg19) VCF-style: chr17-41246652-ACATTC-GA.
Other names: c.678_683delinsTC, p.Met226fs (NM_001407571.1, NM_001407853.1, NM_001407894.1 and 9 more transcripts); c.891_896delinsTC, p.Met297fs (NM_001407581.1, NM_001407582.1, NM_001407583.1 and 30 more transcripts); c.888_893delinsTC, p.Met296fs (NM_001407587.1, NM_001407590.1, NM_001407591.1 and 22 more transcripts); c.882_887delinsTC, p.Met294fs (NM_001407646.1, NM_001407647.1); c.768_773delinsTC, p.Met256fs (NM_001407648.1, NM_001407664.1, NM_001407665.1 and 19 more transcripts); c.765_770delinsTC, p.Met255fs (NM_001407649.1, NM_001407670.1, NM_001407671.1 and 11 more transcripts); c.813_818delinsTC, p.Met271fs (NM_001407653.1, NM_001407654.1, NM_001407655.1 and 4 more transcripts); c.810_815delinsTC, p.Met270fs (NM_001407659.1, NM_001407660.1, NM_001407661.1 and 1 more transcripts); and 40 more; short protein forms M250fs, M297fs, M1fs, M226fs, M227fs, M230fs, M255fs, M208fs.
Identifiers: ClinVar variation 419578 (VCV000419578.5), dbSNP rs1064793967, ClinGen allele CA16620442.